The following is an entry in ClinVar:

ClinVar aggregate classification (germline): Likely benign (1 of 4 stars; one submission).

Allele frequency attached by ClinVar (database versions not stated): 1000 Genomes Project 0.00240; 1000 Genomes Project 30x 0.00250; ESP Exome Variant Server 0.00308.
gnomAD v4.1: 6,079 of 1,612,746 alleles (0.38%); highest among the groups gnomAD compares: Middle Eastern, 1.1%; 30 homozygotes.

Submission:

CeGaT Center for Human Genetics Tuebingen
Classification: Likely benign. Last evaluated: 2023-01-01. Review status: criteria provided, single submitter. Criteria: CeGaT Center For Human Genetics Tuebingen Variant Classification Criteria Version 2. Collection method: clinical testing. Allele origin: germline. Affected: yes. Observed: 1 variant allele.
Comment: PCDHB7: BS2

NM_018940.4(PCDHB7):c.1411G>C (p.Gly471Arg)

Genes: PCDHB7 (protocadherin beta 7; plus strand), PCDHB@ (protocadherin beta cluster; plus strand). Cytogenetic location: 5q31.3.
Variant type: single nucleotide variant.
Coding change: c.1411G>C on transcript NM_018940.4 (MANE Select); coding-DNA position 1411, G replaced by C.
Protein change: p.Gly471Arg; replaces glycine 471 with arginine.
Molecular consequence: missense variant.
Genome position (GRCh38, 1-based): chr5:141,174,246, G>C. VCF-style: chr5-141174246-G-C. GRCh37 (hg19) VCF-style: chr5-140553827-G-C.
Other names: short protein forms G471R.
Identifiers: ClinVar variation 2655813 (VCV002655813.24), dbSNP rs71583630, ClinGen allele CA3458754.